The following is an entry in ClinVar:

ClinVar aggregate classification (germline): Uncertain significance. Review status: criteria provided, multiple submitters, no conflicts (2 of 4 stars). 2 submissions from 2 submitters: Uncertain significance (2). Last evaluated 2026-01-05.

Allele frequency attached by ClinVar (database versions not stated): TOPMed below 0.00001; ExAC 0.00001; gnomAD 0.00001; gnomAD exomes 0.00001.
gnomAD v4.1: 17 of 1,613,962 alleles (0.0011%); highest among the groups gnomAD compares: Admixed American, 0.0033%; no homozygotes.

Submissions (2):

Labcorp Genetics (formerly Invitae), Labcorp
Classification: Uncertain significance. Last evaluated: 2026-01-05. Review status: criteria provided, single submitter. Criteria: Invitae Variant Classification Sherloc (09022015). Collection method: clinical testing. Allele origin: germline.
Comment: This sequence change replaces asparagine, which is neutral and polar, with isoleucine, which is neutral and non-polar, at codon 2974 of the ANK3 protein (p.Asn2974Ile). This variant is present in population databases (rs763047751, gnomAD 0.003%). This variant has not been reported in the literature in individuals affected with ANK3-related conditions. ClinVar contains an entry for this variant (Variation ID: 2181181). An algorithm developed to predict the effect of missense changes on protein structure and function (PolyPhen-2) suggests that this variant is likely to be tolerated. In summary, the available evidence is currently insufficient to determine the role of this variant in disease. Therefore, it has been classified as a Variant of Uncertain Significance.

GeneDx
Classification: Uncertain significance. Last evaluated: 2025-07-23. Review status: criteria provided, single submitter. Criteria: GeneDx Variant Classification Process June 2021. Collection method: clinical testing. Allele origin: germline. Affected: yes.
Comment: Reported in an individual with Brugada syndrome (PMID: 26220970); In silico analysis suggests that this missense variant does not alter protein structure/function; This variant is associated with the following publications: (PMID: 26220970)

NM_020987.5(ANK3):c.8921A>T (p.Asn2974Ile)

Gene: ANK3 (ankyrin 3; minus strand). Cytogenetic location: 10q21.2.
Variant type: single nucleotide variant.
Coding change: c.8921A>T on transcript NM_020987.5 (MANE Select); coding-DNA position 8921, A replaced by T.
Protein change: p.Asn2974Ile; replaces asparagine 2974 with isoleucine.
Molecular consequence: missense variant. On other transcripts: intron variant (4).
Genome position (GRCh38, 1-based): chr10:60,071,960, T>A on the plus strand (A>T on the coding strand, the complement: ANK3 is on the minus strand). VCF-style: chr10-60071960-T-A. GRCh37 (hg19) VCF-style: chr10-61831718-T-A.
Other names: c.4388-3951A>T (NM_001204403.2); c.4409-3951A>T (NM_001204404.2); c.4406-3951A>T (NM_001320874.2); c.1808-3951A>T (NM_001149.4); c.8921A>T (NM_020987.3); short protein forms N2974I.
Identifiers: ClinVar variation 2181181 (VCV002181181.5), dbSNP rs763047751, ClinGen allele CA5511470.